The following is an entry in ClinVar:

NM_000539.3(RHO):c.995_1011del (p.Glu332fs)

Gene: RHO (rhodopsin; plus strand). Cytogenetic location: 3q22.1.
Variant type: Deletion.
Coding change: c.995_1011del on transcript NM_000539.3 (MANE Select); coding-DNA positions 995 to 1011, 17 bases deleted (AGGCCTCTGCTACCGTG).
Protein change: p.Glu332fs; shifts the reading frame from glutamic acid 332.
Molecular consequence: frameshift variant.
Genome position (GRCh38, 1-based): chr3:129,533,666-129,533,682, AGGCCTCTGCTACCGTG deleted; deleting any 17 consecutive bases within chr3:129,533,664-129,533,682 gives the same sequence; the c. name uses the placement nearest the transcript's 3' end. VCF-style (leftmost placement, unchanged base first): chr3-129533663-ATGAGGCCTCTGCTACCG-A. GRCh37 (hg19) VCF-style: chr3-129252506-ATGAGGCCTCTGCTACCG-A.
Other names: short protein forms E332fs.
Identifiers: ClinVar variation 2734568 (VCV002734568.3), dbSNP rs2533029869, ClinGen allele CA2579758048.

ClinVar aggregate classification (germline): Uncertain significance (1 of 4 stars; one submission).

Submission:

Labcorp Genetics (formerly Invitae), Labcorp
Classification: Uncertain significance. Last evaluated: 2023-05-08. Review status: criteria provided, single submitter. Criteria: Invitae Variant Classification Sherloc (09022015). Collection method: clinical testing. Allele origin: germline.
Comment: Experimental studies are conflicting or provide insufficient evidence to determine the effect of this variant on RHO function (PMID: 30977563). This sequence change creates a premature translational stop signal (p.Glu332Valfs*16) in the RHO gene. While this is not anticipated to result in nonsense mediated decay, it is expected to disrupt the last 17 amino acid(s) of the RHO protein. This variant is not present in population databases (gnomAD no frequency). This premature translational stop signal has been observed in individual(s) with autosomal dominant retinitis pigmentosa (PMID: 11139241). Algorithms developed to predict the effect of variants on protein structure and function are not available or were not evaluated for this variant. In summary, the available evidence is currently insufficient to determine the role of this variant in disease. Therefore, it has been classified as a Variant of Uncertain Significance.

Literature cited by the submitters: PubMed 30977563; PubMed 11139241.